The following is an entry in ClinVar:

NM_000660.7(TGFB1):c.411A>T (p.Thr137=)

Gene: TGFB1 (transforming growth factor beta 1; minus strand). Cytogenetic location: 19q13.2.
Variant type: single nucleotide variant.
Coding change: c.411A>T on transcript NM_000660.7 (MANE Select); coding-DNA position 411, A replaced by T.
Protein change: p.Thr137=; no amino-acid change (threonine 137 retained).
Molecular consequence: synonymous variant.
Genome position (GRCh38, 1-based): chr19:41,348,400, T>A on the plus strand (A>T on the coding strand, the complement: TGFB1 is on the minus strand). VCF-style: chr19-41348400-T-A. GRCh37 (hg19) VCF-style: chr19-41854305-T-A.
Other names: c.411A>T (NM_000660.6).
Identifiers: ClinVar variation 2421428 (VCV002421428.10), dbSNP rs202071274, ClinGen allele CA9460099.

ClinVar aggregate classification (germline): Likely benign. Review status: criteria provided, multiple submitters, no conflicts (2 of 4 stars). 3 submissions from 3 submitters: Likely benign (2). 1 of the submissions does not count toward it. Last evaluated 2025-11-17.

Conditions:
TGFB1-related disorder. Also called: TGFB1-related condition.

Allele frequency attached by ClinVar (database versions not stated): ExAC 0.00001; ESP Exome Variant Server 0.00008; gnomAD 0.00012; 1000 Genomes Project 30x 0.00016; 1000 Genomes Project 0.00020; TOPMed 0.00020.
gnomAD v4.1: 35 of 1,613,426 alleles (0.0022%); highest among the groups gnomAD compares: African/African-American, 0.044%; no homozygotes.

Submissions (3):

Labcorp Genetics (formerly Invitae), Labcorp
Classification: Likely benign. Last evaluated: 2025-11-17. Review status: criteria provided, single submitter. Criteria: Invitae Variant Classification Sherloc (09022015). Collection method: clinical testing. Allele origin: germline.

Blueprint Genetics
Classification: Likely benign. Last evaluated: 2022-06-29. Review status: criteria provided, single submitter. Criteria: ACMG Guidelines, 2015. Collection method: clinical testing. Allele origin: germline.

PreventionGenetics, part of Exact Sciences
Classification: Likely benign for TGFB1-related condition. Last evaluated: 2023-12-01. Review status: no assertion criteria provided. Collection method: clinical testing. Allele origin: germline. Not counted in ClinVar's aggregate classification.
Comment: This variant is classified as likely benign based on ACMG/AMP sequence variant interpretation guidelines (Richards et al. 2015 PMID: 25741868, with internal and published modifications).